The following is an entry in ClinVar:

NM_006267.5(RANBP2):c.6609G>A (p.Ala2203=)

Gene: RANBP2 (RAN binding protein 2; plus strand). Cytogenetic location: 2q13.
Variant type: single nucleotide variant.
Coding change: c.6609G>A on transcript NM_006267.5 (MANE Select); coding-DNA position 6609, G replaced by A.
Protein change: p.Ala2203=; no amino-acid change (alanine 2203 retained).
Molecular consequence: synonymous variant.
Genome position (GRCh38, 1-based): chr2:108,767,148, G>A. VCF-style: chr2-108767148-G-A. GRCh37 (hg19) VCF-style: chr2-109383604-G-A.
Identifiers: ClinVar variation 380106 (VCV000380106.13), dbSNP rs60199637, ClinGen allele CA1823458.

ClinVar aggregate classification (germline): Benign/Likely benign. Review status: criteria provided, multiple submitters, no conflicts (2 of 4 stars). 4 submissions from 4 submitters: Benign (3); Likely benign (1). Last evaluated 2026-01-26.

Conditions:
Familial acute necrotizing encephalopathy (IIAE3). Also called: ENCEPHALOPATHY, ACUTE, INFECTION-INDUCED, SUSCEPTIBILITY TO, 3; Susceptibility to Acute Necrotizing Encephalopathy 1. Identifiers: Orphanet 88619, MedGen C2675556, MONDO:0011953, OMIM 608033.

Allele frequency attached by ClinVar (database versions not stated): gnomAD exomes 0.00464 and 0.01135; ExAC 0.01347; ESP Exome Variant Server 0.03956; gnomAD 0.04207 and 0.04502; 1000 Genomes Project 0.04653; TOPMed 0.04854; 1000 Genomes Project 30x 0.05075.
gnomAD v4.1: 13,507 of 1,611,648 alleles (0.84%); highest among the groups gnomAD compares: African/African-American, 14%; 695 homozygotes.

Submissions (4):

Labcorp Genetics (formerly Invitae), Labcorp
Classification: Benign for Familial acute necrotizing encephalopathy. Last evaluated: 2026-01-26. Review status: criteria provided, single submitter. Criteria: Invitae Variant Classification Sherloc (09022015). Collection method: clinical testing. Allele origin: germline.

Fulgent Genetics
Classification: Likely benign for Familial acute necrotizing encephalopathy. Last evaluated: 2022-04-05. Review status: criteria provided, single submitter. Criteria: ACMG Guidelines, 2015. Collection method: clinical testing. Allele origin: unknown.

GeneDx
Classification: Benign. Last evaluated: 2016-01-28. Review status: criteria provided, single submitter. Criteria: GeneDx Variant Classification (06012015). Collection method: clinical testing. Allele origin: germline. Affected: yes.
Comment: This variant is considered likely benign or benign based on one or more of the following criteria: it is a conservative change, it occurs at a poorly conserved position in the protein, it is predicted to be benign by multiple in silico algorithms, and/or has population frequency not consistent with disease.

Breakthrough Genomics
Classification: Benign. Review status: criteria provided, single submitter. Criteria: ACMG Guidelines, 2015. Collection method: not provided. Allele origin: germline. Inheritance: Autosomal dominant inheritance. Affected: yes.